The following is an entry in ClinVar:

NM_000057.4(BLM):c.2327T>A (p.Leu776His)

Gene: BLM (BLM RecQ like helicase; plus strand). Cytogenetic location: 15q26.1.
Variant type: single nucleotide variant.
Coding change: c.2327T>A on transcript NM_000057.4 (MANE Select); coding-DNA position 2327, T replaced by A.
Protein change: p.Leu776His; replaces leucine 776 with histidine.
Molecular consequence: missense variant.
Genome position (GRCh38, 1-based): chr15:90,769,152, T>A. VCF-style: chr15-90769152-T-A. GRCh37 (hg19) VCF-style: chr15-91312382-T-A.
Other names: c.2327T>A, p.Leu776His (NM_001287246.2, NM_001287247.2); c.1202T>A, p.Leu401His (NM_001287248.2); short protein forms L776H, L401H.
Identifiers: ClinVar variation 4211955 (VCV004211955.1).

ClinVar aggregate classification (germline): Uncertain significance (1 of 4 stars; one submission).

Conditions:
Hereditary cancer-predisposing syndrome. Also called: Neoplastic Syndromes, Hereditary; Tumor predisposition; Hereditary Cancer Syndrome; Hereditary neoplastic syndrome. Identifiers: Orphanet 140162, MedGen C0027672, MeSH D009386, MONDO:0015356.

Submission:

Ambry Genetics
Classification: Uncertain significance for Hereditary cancer-predisposing syndrome. Last evaluated: 2025-08-08. Review status: criteria provided, single submitter. Criteria: Ambry Variant Classification Scheme 2023. Collection method: clinical testing. Allele origin: germline.
Comment: The p.L776H variant (also known as c.2327T>A), located in coding exon 10 of the BLM gene, results from a T to A substitution at nucleotide position 2327. The leucine at codon 776 is replaced by histidine, an amino acid with similar properties. This amino acid position is conserved. In addition, this alteration is predicted to be deleterious by in silico analysis. Based on the available evidence, the clinical significance of this variant remains unclear.